The following is an entry in ClinVar:

ClinVar aggregate classification (germline): Pathogenic (1 of 4 stars; one submission).

Conditions:
Hereditary factor XI deficiency disease. Also called: PLASMA THROMBOPLASTIN ANTECEDENT DEFICIENCY; PTA DEFICIENCY; ROSENTHAL SYNDROME; Congenital factor XI deficiency. Identifiers: Orphanet 329, MedGen C0015523, MeSH D005173, MONDO:0012897, OMIM 612416.

Submission:

Myriad Genetics, Inc.
Classification: Pathogenic for Hereditary factor XI deficiency disease. Last evaluated: 2024-05-14. Review status: criteria provided, single submitter. Criteria: Myriad Autosomal Dominant, Autosomal Recessive and X-Linked Classification Criteria (2023). Collection method: clinical testing. Allele origin: unknown.
Comment: NM_000128.3(F11):c.844dupA(S282Kfs*17) is expected to be pathogenic in the context of factor XI deficiency. This variant is predicted to lead to an abnormal or absent protein product due to the creation of a premature termination codon in F11, a gene where loss-of-function variants are known to be pathogenic. Please note: this variant was assessed in the context of healthy population screening.

NM_000128.4(F11):c.844dup (p.Ser282fs)

Gene: F11 (coagulation factor XI; plus strand). Cytogenetic location: 4q35.2.
Variant type: Duplication.
Coding change: c.844dup on transcript NM_000128.4 (MANE Select); coding-DNA position 844, one base duplicated (A; older notation c.844dupA).
Protein change: p.Ser282fs; shifts the reading frame from serine 282.
Molecular consequence: frameshift variant.
Genome position (GRCh38, 1-based): chr4:186,280,100, A duplicated; the last of 3 consecutive A bases (chr4:186,280,098-186,280,100); duplicating any one gives the same sequence. VCF-style (leftmost placement, unchanged base first): chr4-186280097-C-CA. GRCh37 (hg19) VCF-style: chr4-187201251-C-CA.
Other names: c.844dup, p.Ser282fs (NM_001440590.1, NM_001440593.1, NM_001440596.1); c.574dup, p.Ser192fs (NM_001440605.1, NM_001440606.1, NM_001440607.1 and 1 more transcripts); short protein forms S192fs, S282fs.
Identifiers: ClinVar variation 5010470 (VCV005010470.1).
Genomic context (GRCh38, chr4:186,280,097, plus strand): 5'-GAGAGTGGATTGCCCAGTACACGCATTAAAAAGAGCAAAGCTCTTTCTGGTTTCAGTCTA[C>CA]AAAGCTGCAGGCACAGCATCCCAGGTAAACTGAGAGTTCTGCATTCTGGCTGAGAGTGAC-3'